The following is an entry in ClinVar:

NC_000015.9:g.(?_91290613)_(91312826_?)del

Gene: BLM (BLM RecQ like helicase; plus strand). Cytogenetic location: 15q26.1.
Variant type: Deletion.
Identifiers: ClinVar variation 2422256 (VCV002422256.4).

ClinVar aggregate classification (germline): Pathogenic (1 of 4 stars; one submission).

Conditions:
Bloom syndrome (BLM). Also called: Bloom-Torre-Machacek syndrome. Identifiers: Orphanet 125, MedGen C0005859, MONDO:0008876, OMIM 210900.

Submission:

Labcorp Genetics (formerly Invitae), Labcorp
Classification: Pathogenic for Bloom syndrome. Last evaluated: 2021-11-02. Review status: criteria provided, single submitter. Criteria: Invitae Variant Classification Sherloc (09022015). Collection method: clinical testing. Allele origin: germline.
Comment: This variant is a gross deletion of the genomic region encompassing exon(s) 2-12 of the BLM gene, which includes the initiator codon. This deletion extends beyond the assayed region for this gene and therefore may encompass additional genes. It is expected to result in an absent or disrupted protein product. Loss-of-function variants in BLM are known to be pathogenic (PMID: 17407155). This variant has not been reported in the literature in individuals affected with BLM-related conditions. For these reasons, this variant has been classified as Pathogenic.

Literature cited by the submitters: PubMed 17407155.